The following is an entry in ClinVar:

NC_000023.10:g.(?_154718671)_(154774939_154842452)dup

Gene: TMLHE (trimethyllysine hydroxylase, epsilon; minus strand). Cytogenetic location: Xq28.
Variant type: Duplication.
Identifiers: ClinVar variation 3375223 (VCV003375223.1).

ClinVar aggregate classification (germline): Uncertain significance (1 of 4 stars; one submission).

Submission:

Women's Health and Genetics/Laboratory Corporation of America, LabCorp
Classification: Uncertain significance. Last evaluated: 2024-09-24. Review status: criteria provided, single submitter. Criteria: LabCorp Variant Classification Summary - May 2015. Collection method: clinical testing. Allele origin: germline.
Comment: Variant summary: The variant involves the duplication of exons 2-8 in the TMLHE gene. A presumed nomenclature of c.(-2+1_-1-1)_(*2525_?)dup has been designated for the purposes of this classification. The exact breakpoint at the 3' end of this variant is unknown, therefore this duplication may extend downstream of the annotated region of the gene. As it duplicates the termination codon, its effect on the encoded protein is unknown. The variant was absent from 16061 control chromosomes (gnomAD Structural Variants Database). To our knowledge, no occurrence of c.(-2+1_-1-1)_(*2525_?)dup in individuals affected with Autism, Susceptibility To, X-Linked 6 and no experimental evidence demonstrating its impact on protein function have been reported. No submitters have cited clinical-significance assessments for this variant to ClinVar. Based on the evidence outlined above, the variant was classified as uncertain significance.